The following is an entry in ClinVar:

ClinVar aggregate classification (germline): Uncertain significance (1 of 4 stars; one submission).

Submission:

Labcorp Genetics (formerly Invitae), Labcorp
Classification: Uncertain significance. Last evaluated: 2022-11-16. Review status: criteria provided, single submitter. Criteria: Invitae Variant Classification Sherloc (09022015). Collection method: clinical testing. Allele origin: germline.
Comment: This sequence change replaces valine, which is neutral and non-polar, with leucine, which is neutral and non-polar, at codon 2347 of the FAT2 protein (p.Val2347Leu). In summary, the available evidence is currently insufficient to determine the role of this variant in disease. Therefore, it has been classified as a Variant of Uncertain Significance. Algorithms developed to predict the effect of missense changes on protein structure and function (SIFT, PolyPhen-2, Align-GVGD) all suggest that this variant is likely to be tolerated. This variant has not been reported in the literature in individuals affected with FAT2-related conditions. This variant is not present in population databases (gnomAD no frequency).

NM_001447.3(FAT2):c.7039G>C (p.Val2347Leu)

Genes: FAT2 (FAT atypical cadherin 2; minus strand), SLC36A1 (solute carrier family 36 member 1; plus strand). Cytogenetic location: 5q33.1.
Variant type: single nucleotide variant.
Coding change: c.7039G>C on transcript NM_001447.3 (MANE Select); coding-DNA position 7039, G replaced by C.
Protein change: p.Val2347Leu; replaces valine 2347 with leucine.
Molecular consequence: missense variant.
Genome position (GRCh38, 1-based): chr5:151,544,088, C>G on the plus strand (G>C on the coding strand, the complement: FAT2 is on the minus strand). VCF-style: chr5-151544088-C-G. GRCh37 (hg19) VCF-style: chr5-150923649-C-G.
Other names: short protein forms V2347L.
Identifiers: ClinVar variation 1716763 (VCV001716763.5), dbSNP rs2479850126, ClinGen allele CA361836694.